The following is an entry in ClinVar:

NM_144643.4(SCLT1):c.1669C>T (p.Arg557Cys)

Gene: SCLT1 (sodium channel and clathrin linker 1; minus strand). Cytogenetic location: 4q28.2.
Variant type: single nucleotide variant.
Coding change: c.1669C>T on transcript NM_144643.4 (MANE Select); coding-DNA position 1669, C replaced by T.
Protein change: p.Arg557Cys; replaces arginine 557 with cysteine.
Molecular consequence: missense variant.
Genome position (GRCh38, 1-based): chr4:128,936,815, G>A on the plus strand (C>T on the coding strand, the complement: SCLT1 is on the minus strand). VCF-style: chr4-128936815-G-A. GRCh37 (hg19) VCF-style: chr4-129857970-G-A.
Other names: c.*6C>T (NM_001410807.1); short protein forms R557C.
Identifiers: ClinVar variation 1964623 (VCV001964623.4), dbSNP rs201434760, ClinGen allele CA3079545.

ClinVar aggregate classification (germline): Uncertain significance (1 of 4 stars; one submission).

Allele frequency attached by ClinVar (database versions not stated): gnomAD 0.00001; TOPMed 0.00001; gnomAD exomes 0.00002; ExAC 0.00007; 1000 Genomes Project 30x 0.00016; 1000 Genomes Project 0.00020.
gnomAD v4.1: 25 of 1,592,460 alleles (0.0016%); highest among the groups gnomAD compares: South Asian, 0.0045%; no homozygotes.

Submission:

Labcorp Genetics (formerly Invitae), Labcorp
Classification: Uncertain significance. Last evaluated: 2024-12-02. Review status: criteria provided, single submitter. Criteria: Invitae Variant Classification Sherloc (09022015). Collection method: clinical testing. Allele origin: germline.
Comment: This sequence change replaces arginine, which is basic and polar, with cysteine, which is neutral and slightly polar, at codon 557 of the SCLT1 protein (p.Arg557Cys). This variant is present in population databases (rs201434760, gnomAD 0.004%). This variant has not been reported in the literature in individuals affected with SCLT1-related conditions. ClinVar contains an entry for this variant (Variation ID: 1964623). An algorithm developed to predict the effect of missense changes on protein structure and function (PolyPhen-2) suggests that this variant is likely to be disruptive. In summary, the available evidence is currently insufficient to determine the role of this variant in disease. Therefore, it has been classified as a Variant of Uncertain Significance.